The following is an entry in ClinVar:

NM_014861.4(ATP2C2):c.1811T>A (p.Leu604Gln)

Gene: ATP2C2 (ATPase secretory pathway Ca2+ transporting 2; plus strand). Cytogenetic location: 16q24.1.
Variant type: single nucleotide variant.
Coding change: c.1811T>A on transcript NM_014861.4 (MANE Select); coding-DNA position 1811, T replaced by A.
Protein change: p.Leu604Gln; replaces leucine 604 with glutamine.
Molecular consequence: missense variant.
Genome position (GRCh38, 1-based): chr16:84,452,071, T>A. VCF-style: chr16-84452071-T-A. GRCh37 (hg19) VCF-style: chr16-84485677-T-A.
Other names: c.1811T>A, p.Leu604Gln (NM_001286527.3); c.1358T>A, p.Leu453Gln (NM_001291454.2); short protein forms L453Q, L604Q.
Identifiers: ClinVar variation 3055978 (VCV003055978.2), dbSNP rs62640926, ClinGen allele CA8207614.
Genomic context (GRCh38, chr16:84,452,071, plus strand): 5'-AAGCAGTCCAGGTTCTCTCCGAGTCTGGTGTGTCTGTGAAGATGATAACGGGGGATGCCC[T>A]GGAGACGGCCTTGGCCATAGGTAACTGGGACAGGGTCGGGGGTGAGGACGAAAGGACCCA-3'
Protein context (NP_055676.3, residues 594-614): VSVKMITGDA[Leu604Gln]ETALAIGRNI

ClinVar aggregate classification (germline): Benign (0 of 4 stars; one submission).

Conditions:
ATP2C2-related disorder. Also called: ATP2C2-related condition.

Allele frequency attached by ClinVar (database versions not stated): 1000 Genomes Project 0.02915; 1000 Genomes Project 30x 0.03107; TOPMed 0.04841; gnomAD 0.04860; ExAC 0.04969; ESP Exome Variant Server 0.05521; gnomAD exomes 0.06508.
gnomAD v4.1: 102,315 of 1,613,768 alleles (6.3%); highest among the groups gnomAD compares: Middle Eastern, 7.4%; 3,743 homozygotes.

Submission:

PreventionGenetics, part of Exact Sciences
Classification: Benign for ATP2C2-related condition. Last evaluated: 2020-02-04. Review status: no assertion criteria provided. Collection method: clinical testing. Allele origin: germline.
Comment: This variant is classified as benign based on ACMG/AMP sequence variant interpretation guidelines (Richards et al. 2015 PMID: 25741868, with internal and published modifications).